The following is an entry in ClinVar:

ClinVar aggregate classification (germline): Uncertain significance (1 of 4 stars; one submission).

Conditions:
Hereditary cancer-predisposing syndrome. Also called: Neoplastic Syndromes, Hereditary; Tumor predisposition; Hereditary Cancer Syndrome; Hereditary neoplastic syndrome. Identifiers: Orphanet 140162, MedGen C0027672, MeSH D009386, MONDO:0015356.

Submission:

Ambry Genetics
Classification: Uncertain significance for Hereditary cancer-predisposing syndrome. Last evaluated: 2022-05-04. Review status: criteria provided, single submitter. Criteria: Ambry Variant Classification Scheme 2023. Collection method: clinical testing. Allele origin: germline.
Comment: The c.2253+5T>A intronic variant results from a T to A substitution 5 nucleotides after coding exon 15 in the MSH3 gene. This nucleotide position is not well conserved in available vertebrate species. In silico splice site analysis predicts that this alteration will not have any significant effect on splicing. Since supporting evidence is limited at this time, the clinical significance of this alteration remains unclear.

NM_002439.5(MSH3):c.2253+5T>A

Gene: MSH3 (mutS homolog 3; plus strand). Cytogenetic location: 5q14.1.
Variant type: single nucleotide variant.
Coding change: c.2253+5T>A on transcript NM_002439.5 (MANE Select); 5 bases into the intron after coding-DNA position 2253, T replaced by A.
Molecular consequence: intron variant.
Genome position (GRCh38, 1-based): chr5:80,769,008, T>A. VCF-style: chr5-80769008-T-A. GRCh37 (hg19) VCF-style: chr5-80064827-T-A.
Identifiers: ClinVar variation 1788467 (VCV001788467.2), dbSNP rs2546774359, ClinGen allele CA2578350440.